The following is an entry in ClinVar:

ClinVar aggregate classification (germline): Benign (1 of 4 stars; one submission).

Conditions:
Hypouricemia, renal, 2. Also called: HYPOURICEMIA, RENAL, 2, AUTOSOMAL DOMINANT; HYPOURICEMIA, RENAL, 2, AUTOSOMAL RECESSIVE. Identifiers: MedGen C2677549, MONDO:0012793, OMIM 612076.

Allele frequency attached by ClinVar (database versions not stated): ExAC 0.00001; gnomAD 0.00002; gnomAD exomes 0.00002 and 0.00004; TOPMed 0.00002.
gnomAD v4.1: 68 of 1,613,940 alleles (0.0042%); highest among the groups gnomAD compares: Non-Finnish European, 0.0056%; no homozygotes.

Submission:

Illumina Laboratory Services, Illumina
Classification: Benign for Hypouricemia, renal, 2. Last evaluated: 2017-06-07. Review status: criteria provided, single submitter. Criteria: ICSL Variant Classification Criteria 13 December 2019. Collection method: clinical testing. Allele origin: germline.
Comment: This variant was observed as part of a predisposition screen in an ostensibly healthy population. A literature search was performed for the gene, cDNA change, and amino acid change (where applicable). No publications were found based on this search. Allele frequency data from public databases was too high to be consistent with this variant causing disease. Therefore, this variant is classified as benign.

NM_020041.3(SLC2A9):c.1466T>C (p.Ile489Thr)

Gene: SLC2A9 (solute carrier family 2 member 9; minus strand). Cytogenetic location: 4p16.1.
Variant type: single nucleotide variant.
Coding change: c.1466T>C on transcript NM_020041.3 (MANE Select); coding-DNA position 1466, T replaced by C.
Protein change: p.Ile489Thr; replaces isoleucine 489 with threonine.
Molecular consequence: missense variant.
Genome position (GRCh38, 1-based): chr4:9,826,554, A>G on the plus strand (T>C on the coding strand, the complement: SLC2A9 is on the minus strand). VCF-style: chr4-9826554-A-G. GRCh37 (hg19) VCF-style: chr4-9828178-A-G.
Other names: c.1379T>C, p.Ile460Thr (NM_001001290.2); short protein forms I489T, I460T.
Identifiers: ClinVar variation 904532 (VCV000904532.4), dbSNP rs763124804, ClinGen allele CA2856836.